The following is an entry in ClinVar:

NM_014981.3(MYH15):c.2853A>C (p.Thr951=)

Gene: MYH15 (myosin heavy chain 15; minus strand). Cytogenetic location: 3q13.13.
Variant type: single nucleotide variant.
Coding change: c.2853A>C on transcript NM_014981.3 (MANE Select); coding-DNA position 2853, A replaced by C.
Protein change: p.Thr951=; no amino-acid change (threonine 951 retained).
Molecular consequence: synonymous variant.
Genome position (GRCh38, 1-based): chr3:108,441,063, T>G on the plus strand (A>C on the coding strand, the complement: MYH15 is on the minus strand). VCF-style: chr3-108441063-T-G. GRCh37 (hg19) VCF-style: chr3-108159910-T-G.
Identifiers: ClinVar variation 2654021 (VCV002654021.24), dbSNP rs185257681, ClinGen allele CA2528163.

ClinVar aggregate classification (germline): Likely benign (1 of 4 stars; one submission).

Allele frequency attached by ClinVar (database versions not stated): TOPMed 0.00159; gnomAD 0.00217; ESP Exome Variant Server 0.00250; ExAC 0.00260; gnomAD exomes 0.00294; 1000 Genomes Project 30x 0.00078; 1000 Genomes Project 0.00080.
gnomAD v4.1: 4,577 of 1,614,174 alleles (0.28%); highest among the groups gnomAD compares: Non-Finnish European, 0.34%; 8 homozygotes.

Submission:

CeGaT Center for Human Genetics Tuebingen
Classification: Likely benign. Last evaluated: 2022-12-01. Review status: criteria provided, single submitter. Criteria: CeGaT Center For Human Genetics Tuebingen Variant Classification Criteria Version 2. Collection method: clinical testing. Allele origin: germline. Affected: yes. Observed: 2 variant alleles.
Comment: MYH15: BP4, BS2